The following is an entry in ClinVar:

NM_170606.3(KMT2C):c.6871del (p.Ser2291fs)

Gene: KMT2C (lysine methyltransferase 2C; minus strand). Cytogenetic location: 7q36.1.
Variant type: Deletion.
Coding change: c.6871del on transcript NM_170606.3 (MANE Select); coding-DNA position 6871, one base deleted (T; older notation c.6871delT).
Protein change: p.Ser2291fs; shifts the reading frame from serine 2291.
Molecular consequence: frameshift variant.
Genome position (GRCh38, 1-based): chr7:152,180,989, A deleted on the plus strand (T on the coding strand, the reverse complement: KMT2C is on the minus strand); the first of 3 consecutive A bases (chr7:152,180,989-152,180,991); deleting any one gives the same sequence. VCF-style (leftmost placement, unchanged base first): chr7-152180988-GA-G. GRCh37 (hg19) VCF-style: chr7-151878073-GA-G.
Other names: short protein forms S2291fs.
Identifiers: ClinVar variation 4813707 (VCV004813707.1).

ClinVar aggregate classification (germline): Likely pathogenic (1 of 4 stars; one submission).

Conditions:
Kleefstra syndrome 2 (KLEFS2). Identifiers: MedGen C4540395, MONDO:0054701, OMIM 617768.

Submission:

Variantyx, Inc.
Classification: Likely pathogenic for Kleefstra syndrome 2. Last evaluated: 2025-12-21. Review status: criteria provided, single submitter. Criteria: Variantyx Assertion Criteria 2022. Collection method: clinical testing. Allele origin: germline. Inheritance: Autosomal recessive inheritance.
Comment: This is a frameshift variant in the KMT2C gene (OMIM: 606833). Pathogenic variants in this gene have been associated with autosomal dominant Kleefstra syndrome 2. This variant introduces a premature termination codon in exon 36 out of 59 and is expected to result in loss of function, which is a known disease mechanism for KMT2C in this disorder (PMID: 29069077) (PVS1). This variant is absent from control populations (PM2) and has not been reported in individuals with KMT2C-related disorders in the databases available for review. Based on the current evidence, this variant is classified as likely pathogenic for autosomal dominant Kleefstra syndrome 2.

Literature cited by the submitters: PubMed 29069077.